The following is an entry in ClinVar:

NM_001130021.3(ATP6V0A1):c.2358C>T (p.Thr786=)

Gene: ATP6V0A1 (ATPase H+ transporting V0 subunit a1; plus strand). Cytogenetic location: 17q21.2.
Variant type: single nucleotide variant.
Coding change: c.2358C>T on transcript NM_001130021.3 (MANE Select); coding-DNA position 2358, C replaced by T.
Protein change: p.Thr786=; no amino-acid change (threonine 786 retained).
Molecular consequence: synonymous variant. On other transcripts: intron variant (7).
Genome position (GRCh38, 1-based): chr17:42,514,398, C>T. VCF-style: chr17-42514398-C-T. GRCh37 (hg19) VCF-style: chr17-40666416-C-T.
Other names: c.2361C>T, p.Thr787= (NM_001130020.3); c.2379C>T, p.Thr793= (NM_001378522.1); c.2253C>T, p.Thr751= (NM_001378523.1); c.2556C>T, p.Thr852= (NM_001378530.1); c.2502C>T, p.Thr834= (NM_001378531.1); c.2484C>T, p.Thr828= (NM_001378532.1); c.2481C>T, p.Thr827= (NM_001378533.1); c.2454C>T, p.Thr818= (NM_001378534.1); and 20 more.
Identifiers: ClinVar variation 5041212 (VCV005041212.1).

ClinVar aggregate classification (germline): Likely benign (1 of 4 stars; one submission).

gnomAD v4.1: 29 of 1,613,512 alleles (0.0018%); highest among the groups gnomAD compares: Admixed American, 0.033%; no homozygotes.

Submission:

CeGaT Center for Human Genetics Tuebingen
Classification: Likely benign. Last evaluated: 2026-09-01. Review status: criteria provided, single submitter. Criteria: CeGaT Center For Human Genetics Tuebingen Variant Classification Criteria Version 2. Collection method: clinical testing. Allele origin: germline. Affected: yes. Observed: 1 variant allele.
Comment: ATP6V0A1: BP4, BP7